The following is an entry in ClinVar:

NM_015272.5(RPGRIP1L):c.3433-8T>G

Gene: RPGRIP1L (RPGRIP1 like; minus strand). Cytogenetic location: 16q12.2.
Variant type: single nucleotide variant.
Coding change: c.3433-8T>G on transcript NM_015272.5 (MANE Select); 8 bases into the intron before coding-DNA position 3433, T replaced by G.
Molecular consequence: intron variant.
Genome position (GRCh38, 1-based): chr16:53,619,216, A>C on the plus strand (T>G on the coding strand, the complement: RPGRIP1L is on the minus strand). VCF-style: chr16-53619216-A-C. GRCh37 (hg19) VCF-style: chr16-53653128-A-C.
Other names: c.3193-8T>G (NM_001127897.4); c.3331-8T>G (NM_001330538.2); c.3295-8T>G (NM_001308334.3); c.3433-8T>G (NM_015272.4).
Identifiers: ClinVar variation 1098027 (VCV001098027.11), dbSNP rs757913656, ClinGen allele CA8057286.

ClinVar aggregate classification (germline): Likely benign. Review status: criteria provided, single submitter (1 of 4 stars). 2 submissions from 2 submitters: Likely benign (1). 1 of the submissions does not count toward it. Last evaluated 2025-12-03.

Conditions:
RPGRIP1L-related disorder. Also called: RPGRIP1L-related condition; RPGRIP1L-related disorders. Identifiers: MedGen CN239416.
Joubert syndrome. Also called: Familial aplasia of the vermis; JOUBERT-BOLTSHAUSER SYNDROME. Identifiers: Orphanet 475, MedGen C5979921, MONDO:0018772.
Meckel-Gruber syndrome. Also called: Dysencephalia splachnocystica; GRUBER SYNDROME; DYSENCEPHALIA SPLANCHNOCYSTICA. Identifiers: Orphanet 564, MedGen C0265215, MONDO:0018921.

Allele frequency attached by ClinVar (database versions not stated): gnomAD exomes below 0.00001 and 0.00001; ExAC 0.00001; gnomAD 0.00003; TOPMed 0.00003.
gnomAD v4.1: 8 of 1,611,642 alleles (0.0005%); highest among the groups gnomAD compares: African/African-American, 0.011%; no homozygotes.

Submissions (2):

Labcorp Genetics (formerly Invitae), Labcorp
Classification: Likely benign for Joubert syndrome; Meckel-Gruber syndrome. Last evaluated: 2025-12-03. Review status: criteria provided, single submitter. Criteria: Invitae Variant Classification Sherloc (09022015). Collection method: clinical testing. Allele origin: germline.

PreventionGenetics, part of Exact Sciences
Classification: Likely benign for RPGRIP1L-related condition. Last evaluated: 2023-12-04. Review status: no assertion criteria provided. Collection method: clinical testing. Allele origin: germline. Not counted in ClinVar's aggregate classification.
Comment: This variant is classified as likely benign based on ACMG/AMP sequence variant interpretation guidelines (Richards et al. 2015 PMID: 25741868, with internal and published modifications).